The following is an entry in ClinVar:

ClinVar aggregate classification (germline): Uncertain significance. Review status: criteria provided, multiple submitters, no conflicts (2 of 4 stars). 2 submissions from 2 submitters: Uncertain significance (2). Last evaluated 2022-04-13.

Conditions:
Jackson-Weiss syndrome (JWS). Also called: CRANIOSYNOSTOSIS, MIDFACIAL HYPOPLASIA, AND FOOT ABNORMALITIES. Identifiers: Orphanet 1540, MedGen C0795998, MONDO:0007400, OMIM 123150. Disease mechanism: loss of function.
Acrocephalosyndactyly type I (ACS1). Also called: Apert syndrome; Acrocephalo-syndactyly type 1; ACS 1; Syndactylic oxycephaly. Identifiers: Orphanet 87, MedGen C0001193, MONDO:0007041, OMIM 101200.
Saethre-Chotzen syndrome (SCS). Also called: ACROCEPHALY, SKULL ASYMMETRY, AND MILD SYNDACTYLY; ACS III; CHOTZEN SYNDROME. Identifiers: Orphanet 794, MedGen C0175699, MONDO:0007042, OMIM 101400.
Familial scaphocephaly syndrome, McGillivray type. Also called: SCAPHOCEPHALY, MAXILLARY RETRUSION, AND IMPAIRED INTELLECTUAL DEVELOPMENT. Identifiers: Orphanet 168624, MedGen C1865070, MONDO:0012307, OMIM 609579.
Levy-Hollister syndrome (LADD). Also called: LADD syndrome. Identifiers: Orphanet 2363, MedGen C0265269, MONDO:0007872.
Crouzon syndrome. Also called: CRANIOFACIAL DYSOSTOSIS, TYPE I; Craniofacial dysostosis; Craniofacial dysostosis type 1; Crouzon craniofacial dysostosis; Crouzon disease. Identifiers: Orphanet 207, MedGen C0010273, MeSH D003394, MONDO:0007405, OMIM 123500, HP:0004439.
Bent bone dysplasia syndrome 1 (BBDS1). Also called: FGFR2-related bent bone dysplasia. Identifiers: Orphanet 313855, MedGen C3281247, MONDO:0013815, OMIM 614592.
Beare-Stevenson cutis gyrata syndrome (BSTVS). Identifiers: Orphanet 1555, MedGen C1852406, MONDO:0007412, OMIM 123790.
Antley-Bixler syndrome without genital anomalies or disordered steroidogenesis (ABS2). Also called: MULTISYNOSTOTIC OSTEODYSGENESIS WITH LONG BONE FRACTURES; Antley-Bixler Syndrome, Autosomal Dominant; Trapezoidocephaly synostosis syndrome; Osteodysgenesis, multisynostotic with fractures. Identifiers: Orphanet 596008, Orphanet 83, MedGen C2936791, MONDO:0020667, OMIM 207410.
Pfeiffer syndrome (ACS5). Also called: ACS V. Identifiers: Orphanet 710, MedGen C0220658, MONDO:0007043, OMIM 101600.
Gastric cancer. Also called: Stomach cancer; Malignant tumor of stomach. Identifiers: MedGen C0024623, MeSH D013274, MONDO:0001056, OMIM 613659, HP:0012126.
FGFR2-related craniosynostosis. Identifiers: MedGen CN231480.

Allele frequency attached by ClinVar (database versions not stated): gnomAD exomes 0.00002; TOPMed 0.00002; ExAC 0.00003.
gnomAD v4.1: 24 of 1,612,672 alleles (0.0015%); highest among the groups gnomAD compares: Admixed American, 0.01%; no homozygotes.

Submissions (2):

Fulgent Genetics
Classification: Uncertain significance for Acrocephalosyndactyly type I; Saethre-Chotzen syndrome; Pfeiffer syndrome; Jackson-Weiss syndrome; Crouzon syndrome; Beare-Stevenson cutis gyrata syndrome; LADD syndrome 1; Antley-Bixler syndrome without genital anomalies or disordered steroidogenesis; Familial scaphocephaly syndrome, McGillivray type; Gastric cancer; Bent bone dysplasia syndrome 1. Last evaluated: 2022-04-13. Review status: criteria provided, single submitter. Criteria: ACMG Guidelines, 2015. Collection method: clinical testing. Allele origin: unknown.

Labcorp Genetics (formerly Invitae), Labcorp
Classification: Uncertain significance for FGFR2-related craniosynostosis. Last evaluated: 2020-06-22. Review status: criteria provided, single submitter. Criteria: Invitae Variant Classification Sherloc (09022015). Collection method: clinical testing. Allele origin: germline.
Comment: This sequence change falls in intron 11 of the FGFR2 gene. It does not directly change the encoded amino acid sequence of the FGFR2 protein, but it affects a nucleotide within the consensus splice site of the intron. This variant is present in population databases (rs781352732, ExAC 0.03%). This variant has not been reported in the literature in individuals with FGFR2-related conditions. Nucleotide substitutions within the consensus splice site are a relatively common cause of aberrant splicing (PMID: 17576681, 9536098). Algorithms developed to predict the effect of sequence changes on RNA splicing suggest that this variant is not likely to affect RNA splicing, but this prediction has not been confirmed by published transcriptional studies. In summary, the available evidence is currently insufficient to determine the role of this variant in disease. Therefore, it has been classified as a Variant of Uncertain Significance.

Literature cited by the submitters: PubMed 17576681 (cited by Labcorp Genetics (formerly Invitae), Labcorp); PubMed 9536098 (cited by Labcorp Genetics (formerly Invitae), Labcorp).

NM_000141.5(FGFR2):c.1561+6C>T

Gene: FGFR2 (fibroblast growth factor receptor 2; minus strand). Cytogenetic location: 10q26.13.
Variant type: single nucleotide variant.
Coding change: c.1561+6C>T on transcript NM_000141.5 (MANE Select); 6 bases into the intron after coding-DNA position 1561, C replaced by T.
Molecular consequence: intron variant.
Genome position (GRCh38, 1-based): chr10:121,500,820, G>A on the plus strand (C>T on the coding strand, the complement: FGFR2 is on the minus strand). VCF-style: chr10-121500820-G-A. GRCh37 (hg19) VCF-style: chr10-123260334-G-A.
Other names: c.1225+6C>T (NM_001144914.1); c.1210+6C>T (NM_001144918.2, NM_001441091.1); c.1216+6C>T (NM_001441090.1, NM_001144916.2); c.1288+6C>T (NM_001441089.1); c.1294+6C>T (NM_023029.3, NM_001144915.2); c.1291+6C>T (NM_001441088.1); c.1213+6C>T (NM_001144917.2); c.1555+6C>T (NM_001320658.2); and 4 more.
Identifiers: ClinVar variation 964516 (VCV000964516.4), dbSNP rs781352732, ClinGen allele CA5720716.